The following is an entry in ClinVar:

NM_001277115.2(DNAH11):c.10762G>T (p.Ala3588Ser)

Gene: DNAH11 (dynein axonemal heavy chain 11; plus strand). Cytogenetic location: 7p15.3.
Variant type: single nucleotide variant.
Coding change: c.10762G>T on transcript NM_001277115.2 (MANE Select); coding-DNA position 10762, G replaced by T.
Protein change: p.Ala3588Ser; replaces alanine 3588 with serine.
Molecular consequence: missense variant.
Genome position (GRCh38, 1-based): chr7:21,842,614, G>T. VCF-style: chr7-21842614-G-T. GRCh37 (hg19) VCF-style: chr7-21882232-G-T.
Other names: c.10783G>T, p.Ala3595Ser (NM_003777.3); short protein forms A3588S, A3595S.
Identifiers: ClinVar variation 1998584 (VCV001998584.1), dbSNP rs748428041, ClinGen allele CA366956735.

ClinVar aggregate classification (germline): Uncertain significance (1 of 4 stars; one submission).

Conditions:
Primary ciliary dyskinesia. Also called: Ciliary dyskinesia. Identifiers: Orphanet 244, MedGen C0008780, MONDO:0016575, HP:0012265.

Allele frequency attached by ClinVar (database versions not stated): TOPMed below 0.00001.

Submission:

Labcorp Genetics (formerly Invitae), Labcorp
Classification: Uncertain significance for Primary ciliary dyskinesia. Last evaluated: 2022-05-25. Review status: criteria provided, single submitter. Criteria: Invitae Variant Classification Sherloc (09022015). Collection method: clinical testing. Allele origin: germline.
Comment: This sequence change replaces alanine, which is neutral and non-polar, with serine, which is neutral and polar, at codon 3588 of the DNAH11 protein (p.Ala3588Ser). This variant is not present in population databases (gnomAD no frequency). This variant has not been reported in the literature in individuals affected with DNAH11-related conditions. Advanced modeling of protein sequence and biophysical properties (such as structural, functional, and spatial information, amino acid conservation, physicochemical variation, residue mobility, and thermodynamic stability) performed at Invitae indicates that this missense variant is not expected to disrupt DNAH11 protein function. In summary, the available evidence is currently insufficient to determine the role of this variant in disease. Therefore, it has been classified as a Variant of Uncertain Significance.